The following is an entry in ClinVar:

NM_000260.4(MYO7A):c.5195G>A (p.Arg1732His)

Gene: MYO7A (myosin VIIA; plus strand). Cytogenetic location: 11q13.5.
Variant type: single nucleotide variant.
Coding change: c.5195G>A on transcript NM_000260.4 (MANE Select); coding-DNA position 5195, G replaced by A.
Protein change: p.Arg1732His; replaces arginine 1732 with histidine.
Molecular consequence: missense variant.
Genome position (GRCh38, 1-based): chr11:77,203,086, G>A. VCF-style: chr11-77203086-G-A. GRCh37 (hg19) VCF-style: chr11-76914131-G-A.
Other names: c.5081G>A, p.Arg1694His (NM_001127180.2); c.5048G>A, p.Arg1683His (NM_001369365.1); c.5195G>A (NM_000260.3); short protein forms R1683H, R1694H, R1732H.
Identifiers: ClinVar variation 989482 (VCV000989482.13), dbSNP rs760544219, ClinGen allele CA6198649.

ClinVar aggregate classification (germline): Conflicting classifications of pathogenicity. Review status: criteria provided, conflicting classifications (1 of 4 stars). 6 submissions from 6 submitters: Uncertain significance (4); Likely benign (1). 1 of the submissions does not count toward it. Last evaluated 2026-09-23.

Conditions:
MYO7A-related disorder. Also called: MYO7A-related disorders.
Inborn genetic diseases. Identifiers: MedGen C0950123, MeSH D030342.
Usher syndrome type 1B (USH1B). Also called: Usher syndrome type IB. Identifiers: MedGen C1848638, MONDO:0700087.

Allele frequency attached by ClinVar (database versions not stated): ExAC below 0.00001; gnomAD 0.00002; TOPMed 0.00002; gnomAD exomes 0.00005 and 0.00008.
gnomAD v4.1: 77 of 1,548,406 alleles (0.005%); highest among the groups gnomAD compares: Admixed American, 0.018%; no homozygotes.

Submissions (6):

PreventionGenetics, part of Exact Sciences
Classification: Uncertain significance for MYO7A-related condition. Last evaluated: 2026-09-23. Review status: criteria provided, single submitter. Criteria: ACMG Guidelines, 2015. Collection method: clinical testing. Allele origin: germline.
Comment: The MYO7A c.5195G>A variant is predicted to result in the amino acid substitution p.Arg1732His. To our knowledge, this variant has not been reported in the literature. This variant is reported in 0.031% of alleles in individuals of Latino descent in gnomAD. At this time, the clinical significance of this variant is uncertain due to the absence of conclusive functional and genetic evidence.

Labcorp Genetics (formerly Invitae), Labcorp
Classification: Likely benign. Last evaluated: 2025-11-06. Review status: criteria provided, single submitter. Criteria: Invitae Variant Classification Sherloc (09022015). Collection method: clinical testing. Allele origin: germline.

GeneDx
Classification: Uncertain significance. Last evaluated: 2025-07-27. Review status: criteria provided, single submitter. Criteria: GeneDx Variant Classification Process June 2021. Collection method: clinical testing. Allele origin: germline. Affected: yes.
Comment: In silico analysis supports that this missense variant has a deleterious effect on protein structure/function; Has not been previously published as pathogenic or benign to our knowledge

Blueprint Genetics
Classification: Uncertain significance. Last evaluated: 2024-09-05. Review status: criteria provided, single submitter. Criteria: ACMG Guidelines, 2015. Collection method: clinical testing. Allele origin: germline.

Ambry Genetics
Classification: Uncertain significance for Inborn genetic diseases. Last evaluated: 2021-07-09. Review status: criteria provided, single submitter. Criteria: Ambry Variant Classification Scheme 2023. Collection method: clinical testing. Allele origin: germline.

Natera, Inc.
Classification: Uncertain significance for Usher syndrome type 1B. Last evaluated: 2020-04-17. Review status: no assertion criteria provided. Collection method: clinical testing. Allele origin: germline. Not counted in ClinVar's aggregate classification.